The following is an entry in ClinVar:

ClinVar aggregate classification (germline): Pathogenic. Review status: criteria provided, multiple submitters, no conflicts (2 of 4 stars). 2 submissions from 2 submitters: Pathogenic (2). Last evaluated 2025-03-13.

Conditions:
Recessive dystrophic epidermolysis bullosa (RDEB). Also called: Recessive DEB (RDEB); DYSTROPHIC EPIDERMOLYSIS BULLOSA, AUTOSOMAL RECESSIVE; EPIDERMOLYSIS BULLOSA DYSTROPHICA, HALLOPEAU-SIEMENS TYPE; Epidermolysis Bullosa Distrophica Autosomal Recessive (RDEB); epidermolysis bullosa dystrophica, autosomal recessive; Hallopeau-Siemens Disease. Identifiers: Orphanet 79408, Orphanet 79409, MedGen C0079474, MONDO:0009179, OMIM 226600.

Submissions (2):

Myriad Genetics, Inc.
Classification: Pathogenic for Recessive dystrophic epidermolysis bullosa. Last evaluated: 2025-03-13. Review status: criteria provided, single submitter. Criteria: Myriad Autosomal Dominant, Autosomal Recessive and X-Linked Classification Criteria (2023). Collection method: clinical testing. Allele origin: unknown.
Comment: NM_000094.3(COL7A1):c.3956delC(P1319Lfs*6) is expected to be pathogenic in the context of dystrophic epidermolysis bullosa. This variant is predicted to lead to an abnormal or absent protein product due to the creation of a premature termination codon in COL7A1, a gene where loss-of-function variants are known to be pathogenic. Please note: this variant was assessed in the context of healthy population screening.

Labcorp Genetics (formerly Invitae), Labcorp
Classification: Pathogenic. Last evaluated: 2022-10-08. Review status: criteria provided, single submitter. Criteria: Invitae Variant Classification Sherloc (09022015). Collection method: clinical testing. Allele origin: germline.
Comment: For these reasons, this variant has been classified as Pathogenic. This variant has not been reported in the literature in individuals affected with COL7A1-related conditions. This variant is not present in population databases (gnomAD no frequency). This sequence change creates a premature translational stop signal (p.Pro1319Leufs*6) in the COL7A1 gene. It is expected to result in an absent or disrupted protein product. Loss-of-function variants in COL7A1 are known to be pathogenic (PMID: 16971478).

Literature cited by the submitters: PubMed 16971478 (cited by Labcorp Genetics (formerly Invitae), Labcorp).

NM_000094.4(COL7A1):c.3956del (p.Pro1319fs)

Gene: COL7A1 (collagen type VII alpha 1 chain; minus strand). Cytogenetic location: 3p21.31.
Variant type: Deletion.
Coding change: c.3956del on transcript NM_000094.4 (MANE Select); coding-DNA position 3956, one base deleted (C; older notation c.3956delC).
Protein change: p.Pro1319fs; shifts the reading frame from proline 1319.
Molecular consequence: frameshift variant.
Genome position (GRCh38, 1-based): chr3:48,585,055, G deleted on the plus strand (C on the coding strand, the reverse complement: COL7A1 is on the minus strand); the first of 4 consecutive G bases (chr3:48,585,055-48,585,058); deleting any one gives the same sequence. VCF-style (leftmost placement, unchanged base first): chr3-48585054-AG-A. GRCh37 (hg19) VCF-style: chr3-48622487-AG-A.
Other names: short protein forms P1319fs.
Identifiers: ClinVar variation 2025637 (VCV002025637.5), dbSNP rs2531182038, ClinGen allele CA2580070093.